The following is an entry in ClinVar:

ClinVar aggregate classification (germline): Uncertain significance (1 of 4 stars; one submission).

Conditions:
Spermatogenic failure 18. Identifiers: MedGen C4539783, MONDO:0054615, OMIM 617576.
Ciliary dyskinesia, primary, 37 (CILD37). Also called: CILIARY DYSKINESIA, PRIMARY, 37, WITH OR WITHOUT SITUS INVERSUS. Identifiers: MedGen C4539798, MONDO:0033204, OMIM 617577.

Allele frequency attached by ClinVar (database versions not stated): gnomAD 0.00002; TOPMed 0.00002.
gnomAD v4.1: 10 of 1,613,426 alleles (0.00062%); highest among the groups gnomAD compares: South Asian, 0.0033%; no homozygotes.

Submission:

Labcorp Genetics (formerly Invitae), Labcorp
Classification: Uncertain significance for Ciliary dyskinesia, primary, 37; Spermatogenic failure 18. Last evaluated: 2022-10-04. Review status: criteria provided, single submitter. Criteria: Invitae Variant Classification Sherloc (09022015). Collection method: clinical testing. Allele origin: germline.
Comment: This sequence change replaces arginine, which is basic and polar, with cysteine, which is neutral and slightly polar, at codon 2314 of the DNAH1 protein (p.Arg2314Cys). This variant is not present in population databases (gnomAD no frequency). In summary, the available evidence is currently insufficient to determine the role of this variant in disease. Therefore, it has been classified as a Variant of Uncertain Significance. Advanced modeling of protein sequence and biophysical properties (such as structural, functional, and spatial information, amino acid conservation, physicochemical variation, residue mobility, and thermodynamic stability) performed at Invitae indicates that this missense variant is expected to disrupt DNAH1 protein function. This variant has not been reported in the literature in individuals affected with DNAH1-related conditions.

NM_015512.5(DNAH1):c.6940C>T (p.Arg2314Cys)

Gene: DNAH1 (dynein axonemal heavy chain 1; plus strand). Cytogenetic location: 3p21.1.
Variant type: single nucleotide variant.
Coding change: c.6940C>T on transcript NM_015512.5 (MANE Select); coding-DNA position 6940, C replaced by T.
Protein change: p.Arg2314Cys; replaces arginine 2314 with cysteine.
Molecular consequence: missense variant.
Genome position (GRCh38, 1-based): chr3:52,373,008, C>T. VCF-style: chr3-52373008-C-T. GRCh37 (hg19) VCF-style: chr3-52407024-C-T.
Other names: short protein forms R2314C.
Identifiers: ClinVar variation 2140437 (VCV002140437.2), dbSNP rs776689300, ClinGen allele CA353167723.